The following is an entry in ClinVar:

ClinVar aggregate classification (germline): Uncertain significance (1 of 4 stars; one submission).

Conditions:
Hereditary nonpolyposis colorectal neoplasms. Identifiers: MedGen C0009405, MeSH D003123.

gnomAD v4.1: 2 of 1,614,090 alleles (0.00012%); highest among the groups gnomAD compares: Non-Finnish European, 0.00017%; no homozygotes.

Submission:

Labcorp Genetics (formerly Invitae), Labcorp
Classification: Uncertain significance for Hereditary nonpolyposis colorectal neoplasms. Last evaluated: 2025-05-23. Review status: criteria provided, single submitter. Criteria: Invitae Variant Classification Sherloc (09022015). Collection method: clinical testing. Allele origin: germline.
Comment: This sequence change replaces proline, which is neutral and non-polar, with arginine, which is basic and polar, at codon 92 of the MSH6 protein (p.Pro92Arg). This variant is not present in population databases (gnomAD no frequency). This variant has not been reported in the literature in individuals affected with MSH6-related conditions. ClinVar contains an entry for this variant (Variation ID: 3683725). Invitae Evidence Modeling of protein sequence and biophysical properties (such as structural, functional, and spatial information, amino acid conservation, physicochemical variation, residue mobility, and thermodynamic stability) indicates that this missense variant is not expected to disrupt MSH6 protein function with a negative predictive value of 95%. In summary, the available evidence is currently insufficient to determine the role of this variant in disease. Therefore, it has been classified as a Variant of Uncertain Significance.

NM_000179.3(MSH6):c.275C>G (p.Pro92Arg)

Gene: MSH6 (mutS homolog 6; plus strand). Cytogenetic location: 2p16.3.
Variant type: single nucleotide variant.
Coding change: c.275C>G on transcript NM_000179.3 (MANE Select); coding-DNA position 275, C replaced by G.
Protein change: p.Pro92Arg; replaces proline 92 with arginine.
Molecular consequence: missense variant. On other transcripts: non-coding transcript variant (5), intron variant (5), 5 prime UTR variant (21).
Genome position (GRCh38, 1-based): chr2:47,790,941, C>G. VCF-style: chr2-47790941-C-G. GRCh37 (hg19) VCF-style: chr2-48018080-C-G.
Other names: c.-68-4953C>G (NM_001406799.1, NM_001406806.1); c.-280+7448C>G (NM_001406816.1); c.237+7471C>G (NM_001281492.2); c.275C>G, p.Pro92Arg (NM_001406817.1, NM_001407362.1, NM_001406796.1 and 6 more transcripts); c.-23C>G (NM_001406818.1, NM_001406819.1, NM_001406820.1 and 10 more transcripts); c.-462C>G (NM_001406823.1, NM_001406829.1, NM_001281493.2 and 1 more transcripts); c.107C>G, p.Pro36Arg (NM_001406826.1); c.-279-7670C>G (NM_001406815.1); and 6 more; short protein forms P124R, P66R, P36R, P92R.
Identifiers: ClinVar variation 3683725 (VCV003683725.2).